The following is an entry in ClinVar:

NM_001287491.2(TET3):c.3535_3537del (p.Glu1179del)

Gene: TET3 (tet methylcytosine dioxygenase 3; plus strand). Cytogenetic location: 2p13.1.
Variant type: Deletion.
Coding change: c.3535_3537del on transcript NM_001287491.2 (MANE Select); coding-DNA positions 3535 to 3537, 3 bases deleted (GAG; older notation c.3535_3537delGAG).
Protein change: p.Glu1179del; deletes glutamic acid 1179.
Molecular consequence: inframe deletion.
Genome position (GRCh38, 1-based): chr2:74,099,543-74,099,545, GAG deleted; deleting any 3 consecutive bases within chr2:74,099,541-74,099,545 gives the same sequence; the c. name uses the placement nearest the transcript's 3' end. VCF-style (leftmost placement, unchanged base first): chr2-74099540-AAGG-A. GRCh37 (hg19) VCF-style: chr2-74326667-AAGG-A.
Other names: c.3256_3258del, p.Glu1086del (NM_001366022.1); short protein forms E1086del, E1179del.
Identifiers: ClinVar variation 5008432 (VCV005008432.1).

ClinVar aggregate classification (germline): Uncertain significance (1 of 4 stars; one submission).

Submission:

GeneDx
Classification: Uncertain significance. Last evaluated: 2026-03-06. Review status: criteria provided, single submitter. Criteria: GeneDx Variant Classification Process June 2021. Collection method: clinical testing. Allele origin: germline.
Comment: Not observed at significant frequency in large population cohorts (gnomAD); In silico analysis suggests that this variant does not alter protein structure/function; Has not been previously published as pathogenic or benign to our knowledge